The following is an entry in ClinVar:

NM_000038.6(APC):c.5270C>G (p.Ser1757Cys)

Gene: APC (APC regulator of Wnt signaling pathway; plus strand). Cytogenetic location: 5q22.2.
Variant type: single nucleotide variant.
Coding change: c.5270C>G on transcript NM_000038.6 (MANE Select); coding-DNA position 5270, C replaced by G.
Protein change: p.Ser1757Cys; replaces serine 1757 with cysteine.
Molecular consequence: missense variant.
Genome position (GRCh38, 1-based): chr5:112,840,864, C>G. VCF-style: chr5-112840864-C-G. GRCh37 (hg19) VCF-style: chr5-112176561-C-G.
Other names: c.5270C>G, p.Ser1757Cys (NM_001127510.3, NM_001354895.2); c.5216C>G, p.Ser1739Cys (NM_001127511.3); c.5324C>G, p.Ser1775Cys (NM_001354896.2); c.5300C>G, p.Ser1767Cys (NM_001354897.2); c.5195C>G, p.Ser1732Cys (NM_001354898.2); c.5186C>G, p.Ser1729Cys (NM_001354899.2); c.5147C>G, p.Ser1716Cys (NM_001354900.2); c.5093C>G, p.Ser1698Cys (NM_001354901.2); and 5 more; short protein forms S1474C, S1597C, S1631C, S1656C, S1666C, S1698C, S1716C, S1729C.
Identifiers: ClinVar variation 1171344 (VCV001171344.12), dbSNP rs1169261272, ClinGen allele CA16032852.

ClinVar aggregate classification (germline): Uncertain significance. Review status: criteria provided, multiple submitters, no conflicts (2 of 4 stars). 4 submissions from 4 submitters: Uncertain significance (4). Last evaluated 2024-10-14.

Conditions:
Familial adenomatous polyposis 1 (FAP1). Also called: FAMILIAL ADENOMATOUS POLYPOSIS 1, ATTENUATED; POLYPOSIS, ADENOMATOUS INTESTINAL. Identifiers: MedGen C2713442, MONDO:0021056, OMIM 175100. Disease mechanism: loss of function.
Hereditary cancer-predisposing syndrome. Also called: Tumor predisposition; Hereditary neoplastic syndrome; Hereditary Cancer Syndrome; Neoplastic Syndromes, Hereditary. Identifiers: Orphanet 140162, MedGen C0027672, MeSH D009386, MONDO:0015356.

Allele frequency attached by ClinVar (database versions not stated): gnomAD exomes below 0.00001.
gnomAD v4.1: 1 of 1,614,080 alleles (0.000062%); highest among the groups gnomAD compares: Admixed American, 0.0017%; no homozygotes.

Submissions (4):

Ambry Genetics
Classification: Uncertain significance for Hereditary cancer-predisposing syndrome. Last evaluated: 2024-10-14. Review status: criteria provided, single submitter. Criteria: Ambry Variant Classification Scheme 2023. Collection method: clinical testing. Allele origin: germline.
Comment: The p.S1757C variant (also known as c.5270C>G), located in coding exon 15 of the APC gene, results from a C to G substitution at nucleotide position 5270. The serine at codon 1757 is replaced by cysteine, an amino acid with dissimilar properties. This amino acid position is well conserved in available vertebrate species. In addition, in silico predictors for this gene do not accurately predict pathogenicity. Missense alterations in APC are not a common cause of disease (Spier I et al. Genet Med. 2024 Feb;26(2):100992). Based on the available evidence, the clinical significance of this variant remains unclear.

Labcorp Genetics (formerly Invitae), Labcorp
Classification: Uncertain significance for Familial adenomatous polyposis 1. Last evaluated: 2024-07-30. Review status: criteria provided, single submitter. Criteria: Invitae Variant Classification Sherloc (09022015). Collection method: clinical testing. Allele origin: germline.
Comment: This sequence change replaces serine, which is neutral and polar, with cysteine, which is neutral and slightly polar, at codon 1757 of the APC protein (p.Ser1757Cys). This variant is present in population databases (no rsID available, gnomAD 0.003%). This variant has not been reported in the literature in individuals affected with APC-related conditions. ClinVar contains an entry for this variant (Variation ID: 1171344). Advanced modeling of protein sequence and biophysical properties (such as structural, functional, and spatial information, amino acid conservation, physicochemical variation, residue mobility, and thermodynamic stability) performed at Invitae indicates that this missense variant is not expected to disrupt APC protein function with a negative predictive value of 95%. In summary, the available evidence is currently insufficient to determine the role of this variant in disease. Therefore, it has been classified as a Variant of Uncertain Significance.

Color Diagnostics, LLC DBA Color Health
Classification: Uncertain significance for Hereditary cancer-predisposing syndrome. Last evaluated: 2024-03-07. Review status: criteria provided, single submitter. Criteria: ACMG Guidelines, 2015. Collection method: clinical testing. Allele origin: germline.
Comment: This missense variant replaces serine with cysteine at codon 1757 of the APC protein. Computational prediction suggests that this variant may not impact protein structure and function (internally defined REVEL score threshold <= 0.5, PMID: 27666373). To our knowledge, functional studies have not been reported for this variant. This variant has not been reported in individuals affected with hereditary cancer in the literature. This variant has been identified in 1/250474 chromosomes in the general population by the Genome Aggregation Database (gnomAD). The available evidence is insufficient to determine the role of this variant in disease conclusively. Therefore, this variant is classified as a Variant of Uncertain Significance.

Quest Diagnostics Nichols Institute San Juan Capistrano
Classification: Uncertain significance. Last evaluated: 2023-03-16. Review status: criteria provided, single submitter. Criteria: Quest Diagnostics criteria. Collection method: clinical testing. Allele origin: unknown.
Comment: To the best of our knowledge, the variant has not been reported in individuals with APC-related conditions in the published literature. The frequency of this variant in the general population, 0.000004 (1/250474 chromosomes), is uninformative in assessment of its pathogenicity. Analysis of this variant using bioinformatics tools for the prediction of the effect of amino acid changes on protein structure and function yielded predictions that this variant is benign. Based on the available information, we are unable to determine the clinical significance of this variant.